The following is an entry in ClinVar:

NM_138420.4(AHNAK2):c.5340C>T (p.Pro1780=)

Gene: AHNAK2 (AHNAK nucleoprotein 2; minus strand). Cytogenetic location: 14q32.33.
Variant type: single nucleotide variant.
Coding change: c.5340C>T on transcript NM_138420.4 (MANE Select); coding-DNA position 5340, C replaced by T.
Protein change: p.Pro1780=; no amino-acid change (proline 1780 retained).
Molecular consequence: synonymous variant.
Genome position (GRCh38, 1-based): chr14:104,950,111, G>A on the plus strand (C>T on the coding strand, the complement: AHNAK2 is on the minus strand). VCF-style: chr14-104950111-G-A. GRCh37 (hg19) VCF-style: chr14-105416448-G-A.
Other names: c.5040C>T, p.Pro1680= (NM_001350929.2).
Identifiers: ClinVar variation 4873978 (VCV004873978.2).

ClinVar aggregate classification (germline): Likely benign (1 of 4 stars; one submission).

Submission:

CeGaT Center for Human Genetics Tuebingen
Classification: Likely benign. Last evaluated: 2026-04-01. Review status: criteria provided, single submitter. Criteria: CeGaT Center For Human Genetics Tuebingen Variant Classification Criteria Version 2. Collection method: clinical testing. Allele origin: germline. Affected: yes. Observed: 1 variant allele.
Comment: AHNAK2: BP4, BP7